The following is an entry in ClinVar:

ClinVar aggregate classification (germline): Uncertain significance. Review status: criteria provided, multiple submitters, no conflicts (2 of 4 stars). 3 submissions from 3 submitters: Uncertain significance (3). Last evaluated 2023-12-01.

Conditions:
Neurodevelopmental disorder. Identifiers: MedGen C1535926, MeSH D065886, MONDO:0700092.
Inborn genetic diseases. Identifiers: MedGen C0950123, MeSH D030342.
Charcot-Marie-Tooth disease axonal type 2O. Also called: CHARCOT-MARIE-TOOTH NEUROPATHY, AXONAL, TYPE 2O; CHARCOT-MARIE-TOOTH DISEASE, AXONAL, AUTOSOMAL DOMINANT, TYPE 2O; Charcot-Marie-Tooth disease, axonal, type 20; Charcot-Marie-Tooth Neuropathy Type 2O. Identifiers: Orphanet 284232, MedGen C3280220, MONDO:0013644, OMIM 614228.

Submissions (3):

Labcorp Genetics (formerly Invitae), Labcorp
Classification: Uncertain significance for Charcot-Marie-Tooth disease axonal type 2O. Last evaluated: 2023-12-01. Review status: criteria provided, single submitter. Criteria: Invitae Variant Classification Sherloc (09022015). Collection method: clinical testing. Allele origin: germline.
Comment: This sequence change replaces tyrosine, which is neutral and polar, with cysteine, which is neutral and slightly polar, at codon 893 of the DYNC1H1 protein (p.Tyr893Cys). This variant is not present in population databases (gnomAD no frequency). This variant has not been reported in the literature in individuals affected with DYNC1H1-related conditions. ClinVar contains an entry for this variant (Variation ID: 1064838). Advanced modeling of protein sequence and biophysical properties (such as structural, functional, and spatial information, amino acid conservation, physicochemical variation, residue mobility, and thermodynamic stability) performed at Invitae indicates that this missense variant is expected to disrupt DYNC1H1 protein function with a positive predictive value of 95%. In summary, the available evidence is currently insufficient to determine the role of this variant in disease. Therefore, it has been classified as a Variant of Uncertain Significance.

Laboratory of Molecular Genetics (Pr. Bezieau's lab), CHU de Nantes
Classification: Uncertain significance for Neurodevelopmental disorder. Last evaluated: 2020-12-08. Review status: criteria provided, single submitter. Criteria: ACMG Guidelines, 2015. Collection method: clinical testing. Allele origin: germline. Affected: yes.

Ambry Genetics
Classification: Uncertain significance for Inborn genetic diseases. Last evaluated: 2019-11-19. Review status: criteria provided, single submitter. Criteria: Ambry Variant Classification Scheme 2023. Collection method: clinical testing. Allele origin: germline.
Comment: The p.Y893C variant (also known as c.2678A>G), located in coding exon 9 of the DYNC1H1 gene, results from an A to G substitution at nucleotide position 2678. The tyrosine at codon 893 is replaced by cysteine, an amino acid with highly dissimilar properties. This amino acid position is highly conserved in available vertebrate species. In addition, this alteration is predicted to be deleterious by in silico analysis. Since supporting evidence is limited at this time, the clinical significance of this alteration remains unclear.

NM_001376.5(DYNC1H1):c.2678A>G (p.Tyr893Cys)

Gene: DYNC1H1 (dynein cytoplasmic 1 heavy chain 1; plus strand). Cytogenetic location: 14q32.31.
Variant type: single nucleotide variant.
Coding change: c.2678A>G on transcript NM_001376.5 (MANE Select); coding-DNA position 2678, A replaced by G.
Protein change: p.Tyr893Cys; replaces tyrosine 893 with cysteine.
Molecular consequence: missense variant.
Genome position (GRCh38, 1-based): chr14:101,987,592, A>G. VCF-style: chr14-101987592-A-G. GRCh37 (hg19) VCF-style: chr14-102453929-A-G.
Other names: short protein forms Y893C.
Identifiers: ClinVar variation 1064838 (VCV001064838.6), dbSNP rs2141275840, ClinGen allele CA391027691.
Genomic context (GRCh38, chr14:101,987,592, plus strand): 5'-CATTCTCGGAAATCTTGAACAGAGTCCAGAAAGCAGTGGATGACTTAAATCTGCACTCCT[A>G]TTCCAATTTGCCCATCTGGGTCAACAAGCTTGACATGGAGGTAAGGGATAGAATTTGCTA-3'
Protein context (NP_001367.2, residues 883-903): KAVDDLNLHS[Tyr893Cys]SNLPIWVNKL